The following is an entry in ClinVar:

ClinVar aggregate classification (germline): Likely benign. Review status: criteria provided, multiple submitters, no conflicts (2 of 4 stars). 2 submissions from 2 submitters: Likely benign (2). Last evaluated 2026-02-18.

Conditions:
ADGRV1-related disorder. Also called: ADGRV1-related disorders; ADGRV1-related condition.

Allele frequency attached by ClinVar (database versions not stated): ExAC 0.00001.
gnomAD v4.1: 6 of 1,612,934 alleles (0.00037%); highest among the groups gnomAD compares: Admixed American, 0.005%; no homozygotes.

Submissions (2):

PreventionGenetics, part of Exact Sciences
Classification: Likely benign for ADGRV1-related condition. Last evaluated: 2026-02-18. Review status: criteria provided, single submitter. Criteria: ACMG Guidelines, 2015. Collection method: clinical testing. Allele origin: germline.
Comment: This variant is classified as likely benign based on ACMG/AMP sequence variant interpretation guidelines (Richards et al. 2015 PMID: 25741868, with internal and published modifications).

Labcorp Genetics (formerly Invitae), Labcorp
Classification: Likely benign. Last evaluated: 2025-07-10. Review status: criteria provided, single submitter. Criteria: Invitae Variant Classification Sherloc (09022015). Collection method: clinical testing. Allele origin: germline.

NM_032119.4(ADGRV1):c.14127G>A (p.Glu4709=)

Gene: ADGRV1 (adhesion G protein-coupled receptor V1; plus strand). Cytogenetic location: 5q14.3.
Variant type: single nucleotide variant.
Coding change: c.14127G>A on transcript NM_032119.4 (MANE Select); coding-DNA position 14127, G replaced by A.
Protein change: p.Glu4709=; no amino-acid change (glutamic acid 4709 retained).
Molecular consequence: synonymous variant. On other transcripts: non-coding transcript variant (1).
Genome position (GRCh38, 1-based): chr5:90,790,956, G>A. VCF-style: chr5-90790956-G-A. GRCh37 (hg19) VCF-style: chr5-90086773-G-A.
Other names: c.14127G>A (NM_032119.3).
Identifiers: ClinVar variation 1151200 (VCV001151200.10), dbSNP rs752168075, ClinGen allele CA3341674.
Genomic context (GRCh38, chr5:90,790,956, plus strand): 5'-GTTTGACATTACTGAAGACTTTCTTTCCACCAGTGGATTTTTCACCATTGCTGATGGAGA[G>A]AGTGAAGCTAGCTTTGATGTTCATTTGCTACCAGATGAGGTACCTGAGATAGAGGAAGAT-3'
Protein context (NP_115495.3, residues 4699-4719): TSGFFTIADG[Glu4709=]SEASFDVHLL